The following is an entry in ClinVar:

ClinVar aggregate classification (germline): Uncertain significance (1 of 4 stars; one submission).

Allele frequency attached by ClinVar (database versions not stated): gnomAD 0.00001; gnomAD exomes 0.00001; ExAC 0.00002.
gnomAD v4.1: 15 of 1,613,860 alleles (0.00093%); highest among the groups gnomAD compares: East Asian, 0.0089%; no homozygotes.

Submission:

Labcorp Genetics (formerly Invitae), Labcorp
Classification: Uncertain significance. Last evaluated: 2023-09-13. Review status: criteria provided, single submitter. Criteria: Invitae Variant Classification Sherloc (09022015). Collection method: clinical testing. Allele origin: germline.
Comment: This sequence change replaces arginine, which is basic and polar, with histidine, which is basic and polar, at codon 205 of the LZTS1 protein (p.Arg205His). This variant is present in population databases (rs200343127, gnomAD 0.01%). This variant has not been reported in the literature in individuals affected with LZTS1-related conditions. ClinVar contains an entry for this variant (Variation ID: 1916423). Advanced modeling of protein sequence and biophysical properties (such as structural, functional, and spatial information, amino acid conservation, physicochemical variation, residue mobility, and thermodynamic stability) performed at Invitae indicates that this missense variant is not expected to disrupt LZTS1 protein function. In summary, the available evidence is currently insufficient to determine the role of this variant in disease. Therefore, it has been classified as a Variant of Uncertain Significance.

NM_021020.5(LZTS1):c.614G>A (p.Arg205His)

Gene: LZTS1 (leucine zipper tumor suppressor 1; minus strand). Cytogenetic location: 8p21.3.
Variant type: single nucleotide variant.
Coding change: c.614G>A on transcript NM_021020.5 (MANE Select); coding-DNA position 614, G replaced by A.
Protein change: p.Arg205His; replaces arginine 205 with histidine.
Molecular consequence: missense variant.
Genome position (GRCh38, 1-based): chr8:20,253,317, C>T on the plus strand (G>A on the coding strand, the complement: LZTS1 is on the minus strand). VCF-style: chr8-20253317-C-T. GRCh37 (hg19) VCF-style: chr8-20110828-C-T.
Other names: c.614G>A, p.Arg205His (NM_001362884.2); short protein forms R205H.
Identifiers: ClinVar variation 1916423 (VCV001916423.5), dbSNP rs200343127, ClinGen allele CA4657482.